The following is an entry in ClinVar:

NM_000535.7(PMS2):c.2339C>A (p.Pro780His)

Gene: PMS2 (PMS1 homolog 2, mismatch repair system component; minus strand). Cytogenetic location: 7p22.1.
Variant type: single nucleotide variant.
Coding change: c.2339C>A on transcript NM_000535.7 (MANE Select); coding-DNA position 2339, C replaced by A.
Protein change: p.Pro780His; replaces proline 780 with histidine.
Molecular consequence: missense variant. On other transcripts: non-coding transcript variant (1).
Genome position (GRCh38, 1-based): chr7:5,977,694, G>T on the plus strand (C>A on the coding strand, the complement: PMS2 is on the minus strand). VCF-style: chr7-5977694-G-T. GRCh37 (hg19) VCF-style: chr7-6017325-G-T.
Other names: c.1934C>A, p.Pro645His (NM_001018040.1, NM_001322003.2, NM_001322004.2 and 12 more transcripts); c.2183C>A, p.Pro728His (NM_001322006.2); c.2021C>A, p.Pro674His (NM_001322007.2, NM_001322008.2, NM_001406883.1); c.1967C>A, p.Pro656His (NM_001322009.2, NM_001406887.1, NM_001406888.1); c.1778C>A, p.Pro593His (NM_001322010.2, NM_001406906.1, NM_001406907.1); c.1406C>A, p.Pro469His (NM_001322011.2, NM_001322012.2); c.1766C>A, p.Pro589His (NM_001322013.2, NM_001406908.1, NM_001406909.1); c.2372C>A, p.Pro791His (NM_001322014.2); and 20 more; short protein forms P593H, P656H, P658H, P724H, P728H, P739H, P744H, P780H.
Identifiers: ClinVar variation 1789810 (VCV001789810.2), dbSNP rs779971866, ClinGen allele CA366735930.
Genomic context (GRCh38, chr7:5,977,694, plus strand): 5'-GGCCGGCACATGACCCCAGGGCTGTCGCTCAGCATGAAGATCAGTTCATCGACGTCCTGG[G>T]GTCCGAAGGTCCAGTTTTTACTAGTTGGCAAGGAAATCAGTTTAGCCCTTTCAGTGACTG-3'
Protein context (NP_000526.2, residues 770-790): LPTSKNWTFG[Pro780His]QDVDELIFML

ClinVar aggregate classification (germline): Uncertain significance (1 of 4 stars; one submission).

Conditions:
Hereditary cancer-predisposing syndrome. Also called: Hereditary Cancer Syndrome; Hereditary neoplastic syndrome; Tumor predisposition; Neoplastic Syndromes, Hereditary. Identifiers: Orphanet 140162, MedGen C0027672, MeSH D009386, MONDO:0015356.

Submission:

Ambry Genetics
Classification: Uncertain significance for Hereditary cancer-predisposing syndrome. Last evaluated: 2019-12-18. Review status: criteria provided, single submitter. Criteria: Ambry Variant Classification Scheme 2023. Collection method: clinical testing. Allele origin: germline.
Comment: The p.P780H variant (also known as c.2339C>A), located in coding exon 14 of the PMS2 gene, results from a C to A substitution at nucleotide position 2339. The proline at codon 780 is replaced by histidine, an amino acid with similar properties. This amino acid position is well conserved in available vertebrate species. In addition, the in silico prediction for this alteration is inconclusive. Since supporting evidence is limited at this time, the clinical significance of this alteration remains unclear.